The following is an entry in ClinVar:

ClinVar aggregate classification (germline): Likely benign. Review status: criteria provided, single submitter (1 of 4 stars). 2 submissions from 2 submitters: Likely benign (1). 1 of the submissions does not count toward it. Last evaluated 2022-03-12.

Conditions:
GFAP-related disorder. Also called: GFAP-related disorders; GFAP-related condition.

Allele frequency attached by ClinVar (database versions not stated): gnomAD 0.00001; gnomAD exomes 0.00001 and 0.00002; TOPMed 0.00001; ExAC 0.00002.
gnomAD v4.1: 10 of 1,614,076 alleles (0.00062%); highest among the groups gnomAD compares: Admixed American, 0.012%; no homozygotes.

Submissions (2):

Labcorp Genetics (formerly Invitae), Labcorp
Classification: Likely benign. Last evaluated: 2022-03-12. Review status: criteria provided, single submitter. Criteria: Invitae Variant Classification Sherloc (09022015). Collection method: clinical testing. Allele origin: germline.

PreventionGenetics, part of Exact Sciences
Classification: Likely benign for GFAP-related condition. Last evaluated: 2020-09-08. Review status: no assertion criteria provided. Collection method: clinical testing. Allele origin: germline. Not counted in ClinVar's aggregate classification.
Comment: This variant is classified as likely benign based on ACMG/AMP sequence variant interpretation guidelines (Richards et al. 2015 PMID: 25741868, with internal and published modifications).

NM_002055.5(GFAP):c.336G>A (p.Leu112=)

Gene: GFAP (glial fibrillary acidic protein; minus strand). Cytogenetic location: 17q21.31.
Variant type: single nucleotide variant.
Coding change: c.336G>A on transcript NM_002055.5 (MANE Select); coding-DNA position 336, G replaced by A.
Protein change: p.Leu112=; no amino-acid change (leucine 112 retained).
Molecular consequence: synonymous variant.
Genome position (GRCh38, 1-based): chr17:44,915,151, C>T on the plus strand (G>A on the coding strand, the complement: GFAP is on the minus strand). VCF-style: chr17-44915151-C-T. GRCh37 (hg19) VCF-style: chr17-42992519-C-T.
Other names: c.336G>A, p.Leu112= (NM_001131019.3, NM_001242376.3, NM_001363846.2); c.336G>A (NM_002055.4).
Identifiers: ClinVar variation 1382349 (VCV001382349.10), dbSNP rs753939780, ClinGen allele CA8609059.
Genomic context (GRCh38, chr17:44,915,151, plus strand): 5'-GGCGGTGAGTTGATCGAGCCGCAGCCGCAGCTCTCGCAGCTCAGCCTGGTAGACGTCTGC[C>T]AGCTTGGTGGGCTCCTTGGCCCGCAGCTGGTTCAGCTCAGCAGCCAGCGCCTTGTTTTGC-3'
Protein context (NP_002046.1, residues 102-122): NQLRAKEPTK[Leu112=]ADVYQAELRE